The following is an entry in ClinVar:

ClinVar aggregate classification (germline): not provided (0 of 4 stars; one submission).

Allele frequency attached by ClinVar (database versions not stated): gnomAD 0.00027; 1000 Genomes Project 30x 0.00031; 1000 Genomes Project 0.00040; TOPMed 0.00058.
gnomAD v4.1: 44 of 151,994 alleles (0.029%); highest among the groups gnomAD compares: East Asian, 0.74%; no homozygotes.

Submission:

Human Evolutionary Genetics, Institut Pasteur
No classification provided. Review status: no classification provided. Collection method: not provided. Allele origin: germline.
ClinVar note: Converted during submission from untested to not provided.

NM_176822.4(NLRP14):c.2805-162C>T

Gene: NLRP14 (NLR family pyrin domain containing 14; plus strand). Cytogenetic location: 11p15.4.
Variant type: single nucleotide variant.
Coding change: c.2805-162C>T on transcript NM_176822.4 (MANE Select); 162 bases into the intron before coding-DNA position 2805, C replaced by T.
Molecular consequence: intron variant.
Genome position (GRCh38, 1-based): chr11:7,062,171, C>T. VCF-style: chr11-7062171-C-T. GRCh37 (hg19) VCF-style: chr11-7083402-C-T.
Identifiers: ClinVar variation 103347 (VCV000103347.2), dbSNP rs199475887, ClinGen allele CA230452.